The following is an entry in ClinVar:

NM_002470.4(MYH3):c.559G>A (p.Val187Met)

Gene: MYH3 (myosin heavy chain 3; minus strand). Cytogenetic location: 17p13.1.
Variant type: single nucleotide variant.
Coding change: c.559G>A on transcript NM_002470.4 (MANE Select); coding-DNA position 559, G replaced by A.
Protein change: p.Val187Met; replaces valine 187 with methionine.
Molecular consequence: missense variant.
Genome position (GRCh38, 1-based): chr17:10,649,660, C>T on the plus strand (G>A on the coding strand, the complement: MYH3 is on the minus strand). VCF-style: chr17-10649660-C-T. GRCh37 (hg19) VCF-style: chr17-10552977-C-T.
Other names: short protein forms V187M.
Identifiers: ClinVar variation 3634463 (VCV003634463.2).

ClinVar aggregate classification (germline): Uncertain significance (1 of 4 stars; one submission).

Submission:

Labcorp Genetics (formerly Invitae), Labcorp
Classification: Uncertain significance. Last evaluated: 2024-04-18. Review status: criteria provided, single submitter. Criteria: Invitae Variant Classification Sherloc (09022015). Collection method: clinical testing. Allele origin: germline.
Comment: This sequence change replaces valine, which is neutral and non-polar, with methionine, which is neutral and non-polar, at codon 187 of the MYH3 protein (p.Val187Met). This variant is not present in population databases (gnomAD no frequency). This variant has not been reported in the literature in individuals affected with MYH3-related conditions. Advanced modeling of protein sequence and biophysical properties (such as structural, functional, and spatial information, amino acid conservation, physicochemical variation, residue mobility, and thermodynamic stability) has been performed at Invitae for this missense variant, however the output from this modeling did not meet the statistical confidence thresholds required to predict the impact of this variant on MYH3 protein function. In summary, the available evidence is currently insufficient to determine the role of this variant in disease. Therefore, it has been classified as a Variant of Uncertain Significance.